The following is an entry in ClinVar:

ClinVar aggregate classification (germline): Benign/Likely benign. Review status: criteria provided, multiple submitters, no conflicts (2 of 4 stars). 9 submissions from 9 submitters: Benign (2); Likely benign (4). 3 of the submissions do not count toward it. Last evaluated 2026-01-16.

Conditions:
MYLK-related disorder. Also called: MYLK-related condition.
Familial thoracic aortic aneurysm and aortic dissection (TAAD). Also called: Thoracic aortic aneurysms and dissections. Identifiers: Orphanet 91387, MedGen C4707243, MONDO:0019625.
Aortic aneurysm, familial thoracic 7 (AAT7). Also called: AORTIC DISSECTION, FAMILIAL, WITH OR WITHOUT AORTIC ANEURYSM. Identifiers: MedGen C3151077, MONDO:0013418, OMIM 613780.

Allele frequency attached by ClinVar (database versions not stated): gnomAD 0.00014 and 0.00018; ESP Exome Variant Server 0.00015; TOPMed 0.00017; gnomAD exomes 0.00025; 1000 Genomes Project 30x 0.00031; 1000 Genomes Project 0.00040; ExAC 0.00047.
gnomAD v4.1: 402 of 1,600,914 alleles (0.025%); highest among the groups gnomAD compares: South Asian, 0.044%; 1 homozygote.

Submissions (9):

Labcorp Genetics (formerly Invitae), Labcorp
Classification: Likely benign for Aortic aneurysm, familial thoracic 7. Last evaluated: 2026-01-16. Review status: criteria provided, single submitter. Criteria: Invitae Variant Classification Sherloc (09022015). Collection method: clinical testing. Allele origin: germline.

Blueprint Genetics
Classification: Likely benign. Last evaluated: 2024-08-21. Review status: criteria provided, single submitter. Criteria: ACMG Guidelines, 2015. Collection method: clinical testing. Allele origin: germline.

Women's Health and Genetics/Laboratory Corporation of America, LabCorp
Classification: Benign. Last evaluated: 2024-04-29. Review status: criteria provided, single submitter. Criteria: LabCorp Variant Classification Summary - May 2015. Collection method: clinical testing. Allele origin: germline.

GeneDx
Classification: Likely benign. Last evaluated: 2021-09-20. Review status: criteria provided, single submitter. Criteria: GeneDx Variant Classification Process June 2021. Collection method: clinical testing. Allele origin: germline. Affected: yes.

CHEO Genetics Diagnostic Laboratory, Children's Hospital of Eastern Ontario
Classification: Benign for Familial thoracic aortic aneurysm and aortic dissection. Last evaluated: 2018-05-25. Review status: criteria provided, single submitter. Criteria: ACMG Guidelines, 2015. Collection method: clinical testing. Allele origin: germline.

Ambry Genetics
Classification: Likely benign for Familial thoracic aortic aneurysm and aortic dissection. Last evaluated: 2017-07-11. Review status: criteria provided, single submitter. Criteria: Ambry Variant Classification Scheme 2023. Collection method: clinical testing. Allele origin: germline.

PreventionGenetics, part of Exact Sciences
Classification: Likely benign for MYLK-related condition. Last evaluated: 2021-05-04. Review status: no assertion criteria provided. Collection method: clinical testing. Allele origin: germline. Not counted in ClinVar's aggregate classification.
Comment: This variant is classified as likely benign based on ACMG/AMP sequence variant interpretation guidelines (Richards et al. 2015 PMID: 25741868, with internal and published modifications).

Genome Diagnostics Laboratory, Amsterdam University Medical Center
Classification: Likely benign. Review status: no assertion criteria provided. Collection method: clinical testing. Allele origin: germline. Affected: yes. Study: VKGL Data-share Consensus. Not counted in ClinVar's aggregate classification.

Joint Genome Diagnostic Labs from Nijmegen and Maastricht, Radboudumc and MUMC+
Classification: Likely benign. Review status: no assertion criteria provided. Collection method: clinical testing. Allele origin: germline. Affected: yes. Study: VKGL Data-share Consensus. Not counted in ClinVar's aggregate classification.

NM_053025.4(MYLK):c.3639G>A (p.Val1213=)

Gene: MYLK (myosin light chain kinase; minus strand). Cytogenetic location: 3q21.1.
Variant type: single nucleotide variant.
Coding change: c.3639G>A on transcript NM_053025.4 (MANE Select); coding-DNA position 3639, G replaced by A.
Protein change: p.Val1213=; no amino-acid change (valine 1213 retained).
Molecular consequence: synonymous variant.
Genome position (GRCh38, 1-based): chr3:123,682,237, C>T on the plus strand (G>A on the coding strand, the complement: MYLK is on the minus strand). VCF-style: chr3-123682237-C-T. GRCh37 (hg19) VCF-style: chr3-123401084-C-T.
Other names: c.3111G>A, p.Val1037= (NM_001321309.2); c.3432G>A, p.Val1144= (NM_053026.4, NM_053028.4); c.3639G>A, p.Val1213= (NM_053027.4).
Identifiers: ClinVar variation 471723 (VCV000471723.27), dbSNP rs148419939, ClinGen allele CA069917.